The following is an entry in ClinVar:

ClinVar aggregate classification (germline): Uncertain significance (1 of 4 stars; one submission).

Conditions:
CACNA1A-related disorder. Also called: CACNA1A-related condition.

Allele frequency attached by ClinVar (database versions not stated): TOPMed 0.00001.
gnomAD v4.1: 3 of 1,364,232 alleles (0.00022%); highest among the groups gnomAD compares: African/African-American, 0.0015%; no homozygotes.

Submission:

PreventionGenetics, part of Exact Sciences
Classification: Uncertain significance for CACNA1A-related condition. Last evaluated: 2022-10-26. Review status: criteria provided, single submitter. Criteria: ACMG Guidelines, 2015. Collection method: clinical testing. Allele origin: germline.
Comment: The CACNA1A c.7126C>T variant is predicted to result in the amino acid substitution p.Arg2376Trp. To our knowledge, this variant has not been reported in the literature or in a large population database, indicating this variant is rare. At this time, the clinical significance of this variant is uncertain due to the absence of conclusive functional and genetic evidence.

NM_001127222.2(CACNA1A):c.7126C>T (p.Arg2376Trp)

Gene: CACNA1A (calcium voltage-gated channel subunit alpha1 A; minus strand). Cytogenetic location: 19p13.13.
Variant type: single nucleotide variant.
Coding change: c.7126C>T on transcript NM_001127222.2 (MANE Select); coding-DNA position 7126, C replaced by T.
Protein change: p.Arg2376Trp; replaces arginine 2376 with tryptophan.
Molecular consequence: missense variant. On other transcripts: 3 prime UTR variant (3).
Genome position (GRCh38, 1-based): chr19:13,207,708, G>A on the plus strand (C>T on the coding strand, the complement: CACNA1A is on the minus strand). VCF-style: chr19-13207708-G-A. GRCh37 (hg19) VCF-style: chr19-13318522-G-A.
Other names: c.*338C>T (NM_000068.4, NM_001127221.2, NM_001174080.2); c.7144C>T, p.Arg2382Trp (NM_023035.3); short protein forms R2376W, R2382W.
Identifiers: ClinVar variation 2636096 (VCV002636096.1), dbSNP rs1308219087, ClinGen allele CA404328124.